The following is an entry in ClinVar:

NM_000701.8(ATP1A1):c.1088C>A (p.Ala363Asp)

Genes: ATP1A1 (ATPase Na+/K+ transporting subunit alpha 1; plus strand), LOC129931264 (ATAC-STARR-seq lymphoblastoid active region 1561; plus strand). Cytogenetic location: 1p13.1.
Variant type: single nucleotide variant.
Coding change: c.1088C>A on transcript NM_000701.8 (MANE Select); coding-DNA position 1088, C replaced by A.
Protein change: p.Ala363Asp; replaces alanine 363 with aspartic acid.
Molecular consequence: missense variant.
Genome position (GRCh38, 1-based): chr1:116,390,277, C>A. VCF-style: chr1-116390277-C-A. GRCh37 (hg19) VCF-style: chr1-116932899-C-A.
Other names: c.1088C>A, p.Ala363Asp (NM_001160233.2); c.995C>A, p.Ala332Asp (NM_001160234.2); short protein forms A332D, A363D.
Identifiers: ClinVar variation 1723678 (VCV001723678.2), dbSNP rs2525838332, ClinGen allele CA341844405.

ClinVar aggregate classification (germline): Uncertain significance (1 of 4 stars; one submission).

Submission:

GeneDx
Classification: Uncertain significance. Last evaluated: 2022-05-09. Review status: criteria provided, single submitter. Criteria: GeneDx Variant Classification Process June 2021. Collection method: clinical testing. Allele origin: germline. Affected: yes.
Comment: Not observed at significant frequency in large population cohorts (gnomAD); In silico analysis supports that this missense variant has a deleterious effect on protein structure/function; Has not been previously published as pathogenic or benign to our knowledge